The following is an entry in ClinVar:

NM_000350.3(ABCA4):c.3220A>G (p.Ile1074Val)

Gene: ABCA4 (ATP binding cassette subfamily A member 4; minus strand). Cytogenetic location: 1p22.1.
Variant type: single nucleotide variant.
Coding change: c.3220A>G on transcript NM_000350.3 (MANE Select); coding-DNA position 3220, A replaced by G.
Protein change: p.Ile1074Val; replaces isoleucine 1074 with valine.
Molecular consequence: missense variant.
Genome position (GRCh38, 1-based): chr1:94,042,869, T>C on the plus strand (A>G on the coding strand, the complement: ABCA4 is on the minus strand). VCF-style: chr1-94042869-T-C. GRCh37 (hg19) VCF-style: chr1-94508425-T-C.
Other names: c.2998A>G, p.Ile1000Val (NM_001425324.1); short protein forms I1074V, I1000V.
Identifiers: ClinVar variation 1474591 (VCV001474591.8), dbSNP rs368054254, ClinGen allele CA958001.

ClinVar aggregate classification (germline): Uncertain significance. Review status: criteria provided, multiple submitters, no conflicts (2 of 4 stars). 3 submissions from 3 submitters: Uncertain significance (3). Last evaluated 2026-08-05.

Conditions:
Retinal disorder. Also called: Retinopathies; Retinal Diseases; Retinal disorders; Retinopathy. Identifiers: MedGen C0035309, MONDO:0005283, HP:0000488.

Allele frequency attached by ClinVar (database versions not stated): gnomAD exomes 0.00001 and 0.00003; ExAC 0.00005; gnomAD 0.00013 and 0.00014; TOPMed 0.00014; ESP Exome Variant Server 0.00023; 1000 Genomes Project 30x 0.00031; 1000 Genomes Project 0.00040.
gnomAD v4.1: 41 of 1,614,138 alleles (0.0025%); highest among the groups gnomAD compares: African/African-American, 0.04%; no homozygotes.

Submissions (3):

Genetics Laboratory, Great Ormond Street Hospital NHS Foundation Trust, North Thames Genomic Laboratory Hub
Classification: Uncertain significance for Retinal disorders. Last evaluated: 2026-08-05. Review status: criteria provided, single submitter. Criteria: ACGS Best Practice Guidelines for Variant Classification in Rare Disease 2024 v1.2. Collection method: clinical testing. Allele origin: germline. Affected: yes.
Comment: PM2_moderate, PM3_moderate

Labcorp Genetics (formerly Invitae), Labcorp
Classification: Uncertain significance. Last evaluated: 2024-11-02. Review status: criteria provided, single submitter. Criteria: Invitae Variant Classification Sherloc (09022015). Collection method: clinical testing. Allele origin: germline.
Comment: This sequence change replaces isoleucine, which is neutral and non-polar, with valine, which is neutral and non-polar, at codon 1074 of the ABCA4 protein (p.Ile1074Val). This variant is present in population databases (rs368054254, gnomAD 0.04%). This variant has not been reported in the literature in individuals affected with ABCA4-related conditions. ClinVar contains an entry for this variant (Variation ID: 1474591). Invitae Evidence Modeling of protein sequence and biophysical properties (such as structural, functional, and spatial information, amino acid conservation, physicochemical variation, residue mobility, and thermodynamic stability) indicates that this missense variant is not expected to disrupt ABCA4 protein function with a negative predictive value of 95%. In summary, the available evidence is currently insufficient to determine the role of this variant in disease. Therefore, it has been classified as a Variant of Uncertain Significance.

Blueprint Genetics
Classification: Uncertain significance. Last evaluated: 2022-11-30. Review status: criteria provided, single submitter. Criteria: ACMG Guidelines, 2015. Collection method: clinical testing. Allele origin: germline.